The following is an entry in ClinVar:

NM_005228.5(EGFR):c.2653T>G (p.Ser885Ala)

Gene: EGFR (epidermal growth factor receptor; plus strand). Cytogenetic location: 7p11.2.
Variant type: single nucleotide variant.
Coding change: c.2653T>G on transcript NM_005228.5 (MANE Select); coding-DNA position 2653, T replaced by G.
Protein change: p.Ser885Ala; replaces serine 885 with alanine.
Molecular consequence: missense variant.
Genome position (GRCh38, 1-based): chr7:55,192,793, T>G. VCF-style: chr7-55192793-T-G. GRCh37 (hg19) VCF-style: chr7-55260486-T-G.
Other names: c.2518T>G, p.Ser840Ala (NM_001346897.2, NM_001346899.2); c.2653T>G, p.Ser885Ala (NM_001346898.2); c.2494T>G, p.Ser832Ala (NM_001346900.2); c.1852T>G, p.Ser618Ala (NM_001346941.2); short protein forms S618A, S832A, S840A, S885A.
Identifiers: ClinVar variation 1000960 (VCV001000960.8), dbSNP rs1787458105, ClinGen allele CA367580806.

ClinVar aggregate classification (germline): Uncertain significance (1 of 4 stars; one submission).

Conditions:
EGFR-related lung cancer (EGFR). Identifiers: MedGen CN130014.

Submission:

Labcorp Genetics (formerly Invitae), Labcorp
Classification: Uncertain significance for EGFR-related lung cancer. Last evaluated: 2020-04-18. Review status: criteria provided, single submitter. Criteria: Invitae Variant Classification Sherloc (09022015). Collection method: clinical testing. Allele origin: germline.
Comment: Algorithms developed to predict the effect of missense changes on protein structure and function are either unavailable or do not agree on the potential impact of this missense change (SIFT: "Tolerated"; PolyPhen-2: "Probably Damaging"; Align-GVGD: "Class C0"). This sequence change replaces serine with alanine at codon 885 of the EGFR protein (p.Ser885Ala). The serine residue is moderately conserved and there is a moderate physicochemical difference between serine and alanine. This variant is not present in population databases (ExAC no frequency). This variant has not been reported in the literature in individuals with EGFR-related conditions. In summary, the available evidence is currently insufficient to determine the role of this variant in disease. Therefore, it has been classified as a Variant of Uncertain Significance.